The following is an entry in ClinVar:

ClinVar aggregate classification (germline): Uncertain significance (1 of 4 stars; one submission).

Conditions:
FRAXE. Also called: Intellectual developmental disorder, X-linked 109; FRAXE Syndrome; FRAXE intellectual disability; Fragile XE syndrome; Intellectual disability, X-linked, FRAXE type. Identifiers: Orphanet 100973, MedGen C0751157, MONDO:0010659, OMIM 309548. Disease mechanism: loss of function.

Allele frequency attached by ClinVar (database versions not stated): gnomAD exomes below 0.00001.
gnomAD v4.1: 1 of 1,209,716 alleles (0.000083%); highest among the groups gnomAD compares: African/African-American, 0.0017%; no homozygotes.

Submission:

Laboratorio de Genetica e Diagnostico Molecular, Hospital Israelita Albert Einstein
Classification: Uncertain significance for FRAXE. Last evaluated: 2022-08-19. Review status: criteria provided, single submitter. Criteria: ACMG Guidelines, 2015. Collection method: clinical testing. Allele origin: germline. Affected: yes.
Comment: ACMG classification criteria: PM2 moderated, BP4 supporting

NM_002025.4(AFF2):c.1012C>A (p.Pro338Thr)

Gene: AFF2 (ALF transcription elongation factor 2; plus strand). Cytogenetic location: Xq28.
Variant type: single nucleotide variant.
Coding change: c.1012C>A on transcript NM_002025.4 (MANE Select); coding-DNA position 1012, C replaced by A.
Protein change: p.Pro338Thr; replaces proline 338 with threonine.
Molecular consequence: missense variant.
Genome position (GRCh38, 1-based): chrX:148,662,739, C>A. VCF-style: chrX-148662739-C-A. GRCh37 (hg19) VCF-style: chrX-147744260-C-A.
Other names: c.1000C>A, p.Pro334Thr (NM_001169122.2, NM_001169123.2, NM_001169125.2); c.1012C>A, p.Pro338Thr (NM_001169124.2); short protein forms P334T, P338T.
Identifiers: ClinVar variation 2431756 (VCV002431756.2), dbSNP rs2521399523, ClinGen allele CA414510577.
Genomic context (GRCh38, chrX:148,662,739, plus strand): 5'-CTGTCATTTGGAACACTCTTGGATGGAAAACCCAGTGCAGCCAGTTCAAAGACTAAACTG[C>A]CAAAGTTCACCATCCTCCAAACAAGTGAAGTAAGTAATTTTTAAAGTTTTGTTTGGTTTC-3'
Protein context (NP_002016.2, residues 328-348): PSAASSKTKL[Pro338Thr]KFTILQTSEV